The following is an entry in ClinVar:

ClinVar aggregate classification (germline): Benign/Likely benign. Review status: criteria provided, multiple submitters, no conflicts (2 of 4 stars). 15 submissions from 12 submitters: Benign (9); Likely benign (6). Last evaluated 2026-07-01.

Conditions:
TTN-related disorder. Also called: TTN-related disorders; TTN-related condition; TTN-related disease.
Cardiovascular phenotype. Identifiers: MedGen CN230736.
Autosomal recessive limb-girdle muscular dystrophy type 2J (LGMDR10). Also called: Limb-girdle muscular dystrophy, type 2J; MUSCULAR DYSTROPHY, LIMB-GIRDLE, AUTOSOMAL RECESSIVE 10. Identifiers: Orphanet 140922, MedGen C1837342, MONDO:0012127, OMIM 608807.
Dilated cardiomyopathy 1G (CMD1G). Identifiers: Orphanet 154, MedGen C1858763, MONDO:0011400, OMIM 604145.
Early-onset myopathy with fatal cardiomyopathy (CMYO5). Also called: Salih Myopathy; CONGENITAL MYOPATHY 5 WITH CARDIOMYOPATHY. Identifiers: Orphanet 289377, MedGen C2673677, MONDO:0012714, OMIM 611705. Disease mechanism: loss of function.
Myopathy, myofibrillar, 9, with early respiratory failure (MFM9). Also called: Myopathy, distal, with early respiratory failure, autosomal dominant; EDSTROM MYOPATHY; MYOPATHY, PROXIMAL, WITH EARLY RESPIRATORY MUSCLE INVOLVEMENT; Hereditary myopathy with early respiratory failure. Identifiers: Orphanet 178464, Orphanet 34521, MedGen C1863599, MONDO:0011362, OMIM 603689.
Tibial muscular dystrophy (TMD). Also called: Udd Distal Myopathy – Tibial Muscular Dystrophy; UDD MYOPATHY; Tibial muscular dystrophy, tardive. Identifiers: Orphanet 609, MedGen C1838244, MONDO:0010870, OMIM 600334.

Allele frequency attached by ClinVar (database versions not stated): TOPMed 0.00017; ESP Exome Variant Server 0.00031; 1000 Genomes Project 30x 0.00094; 1000 Genomes Project 0.00120; gnomAD 0.00202 and 0.00208; ExAC 0.00208; gnomAD exomes 0.00238.
gnomAD v4.1: 1,894 of 1,614,088 alleles (0.12%); highest among the groups gnomAD compares: Middle Eastern, 0.066%; 18 homozygotes.

Submissions (15):

CeGaT Center for Human Genetics Tuebingen
Classification: Likely benign. Last evaluated: 2026-07-01. Review status: criteria provided, single submitter. Criteria: CeGaT Center For Human Genetics Tuebingen Variant Classification Criteria Version 2. Collection method: clinical testing. Allele origin: germline. Affected: yes. Observed: 4 variant alleles.
Comment: TTN: BS2

Labcorp Genetics (formerly Invitae), Labcorp
Classification: Benign for Dilated cardiomyopathy 1G; Autosomal recessive limb-girdle muscular dystrophy type 2J. Last evaluated: 2025-12-29. Review status: criteria provided, single submitter. Criteria: Invitae Variant Classification Sherloc (09022015). Collection method: clinical testing. Allele origin: germline.

Molecular Diagnostic Laboratory for Inherited Cardiovascular Disease, Montreal Heart Institute
Classification: Likely benign. Last evaluated: 2025-04-09. Review status: criteria provided, single submitter. Criteria: ACMG Guidelines, 2015. Collection method: clinical testing. Allele origin: germline. Affected: no.

Blueprint Genetics
Classification: Likely benign. Last evaluated: 2024-11-15. Review status: criteria provided, single submitter. Criteria: ACMG Guidelines, 2015. Collection method: clinical testing. Allele origin: germline.

PreventionGenetics, part of Exact Sciences
Classification: Benign for TTN-related condition. Last evaluated: 2024-10-29. Review status: criteria provided, single submitter. Criteria: ACMG Guidelines, 2015. Collection method: clinical testing. Allele origin: germline.
Comment: This variant is classified as benign based on ACMG/AMP sequence variant interpretation guidelines (Richards et al. 2015 PMID: 25741868, with internal and published modifications).

Women's Health and Genetics/Laboratory Corporation of America, LabCorp
Classification: Benign. Last evaluated: 2024-01-30. Review status: criteria provided, single submitter. Criteria: LabCorp Variant Classification Summary - May 2015. Collection method: clinical testing. Allele origin: germline.
Comment: Variant summary: TTN c.289G>A (p.Val97Met) results in a conservative amino acid change located in the Z-disk region of the encoded protein sequence. Four of five in-silico tools predict a damaging effect of the variant on protein function. The variant allele was found at a frequency of 0.0012 in 1614088 control chromosomes in the gnomAD database, including 18 homozygotes, and is found predominantly within individuals of Finnish ancestry at a frequency of 0.024. The observed variant frequency in the gnomAD database is approximately 3-fold of the estimated maximal expected allele frequency for a pathogenic variant in TTN causing Dilated Cardiomyopathy phenotype (0.00039), strongly suggesting that the variant is benign. c.289G>A has been reported in the literature without evidence for causality in an individual affected with arrhythmogenic right ventricular cardiomyopathy and in an individual who suffered a sudden unexplained death and was found to have hypertrophic cardiomyopathy (Campuzano_2015, Sanchez_2016). These reports do not provide unequivocal conclusions about association of the variant with Dilated Cardiomyopathy. To our knowledge, no experimental evidence demonstrating an impact on protein function has been reported. ClinVar contains an entry for this variant (Variation ID: 178278). Based on the evidence outlined above, the variant was classified as benign.

Genome-Nilou Lab
Classification: Benign for Autosomal recessive limb-girdle muscular dystrophy type 2J. Last evaluated: 2021-09-10. Review status: criteria provided, single submitter. Criteria: ACMG Guidelines, 2015. Collection method: clinical testing. Allele origin: germline. Affected: no.

Genome-Nilou Lab
Classification: Benign for Myopathy, myofibrillar, 9, with early respiratory failure. Last evaluated: 2021-09-10. Review status: criteria provided, single submitter. Criteria: ACMG Guidelines, 2015. Collection method: clinical testing. Allele origin: germline. Affected: no.

Genome-Nilou Lab
Classification: Benign for Early-onset myopathy with fatal cardiomyopathy. Last evaluated: 2021-09-10. Review status: criteria provided, single submitter. Criteria: ACMG Guidelines, 2015. Collection method: clinical testing. Allele origin: germline. Affected: no.

Genome-Nilou Lab
Classification: Benign for Tibial muscular dystrophy. Last evaluated: 2021-09-10. Review status: criteria provided, single submitter. Criteria: ACMG Guidelines, 2015. Collection method: clinical testing. Allele origin: germline. Affected: no.

Ambry Genetics
Classification: Likely benign for Cardiovascular phenotype. Last evaluated: 2020-03-26. Review status: criteria provided, single submitter. Criteria: Ambry Variant Classification Scheme 2023. Collection method: clinical testing. Allele origin: germline.

GeneDx
Classification: Benign. Last evaluated: 2017-10-31. Review status: criteria provided, single submitter. Criteria: GeneDx Variant Classification (06012015). Collection method: clinical testing. Allele origin: germline. Affected: yes.
Comment: This variant is considered likely benign or benign based on one or more of the following criteria: it is a conservative change, it occurs at a poorly conserved position in the protein, it is predicted to be benign by multiple in silico algorithms, and/or has population frequency not consistent with disease.

Athena Diagnostics
Classification: Benign. Last evaluated: 2017-01-24. Review status: criteria provided, single submitter. Criteria: Athena Diagnostics Criteria. Collection method: clinical testing. Allele origin: germline.

Laboratory for Molecular Medicine, Mass General Brigham Personalized Medicine
Classification: Likely benign. Last evaluated: 2014-04-10. Review status: criteria provided, single submitter. Criteria: LMM Criteria. Collection method: clinical testing. Allele origin: germline. Observed: 1 variant allele.
Comment: Val97Met in exon 3 of TTN: This variant is not expected to have clinical signifi cance because it has been identified in 2.2% (4/186) of Finnish chromosomes by t he 1000 Genomes Project (dbSNP rs185921345).

Breakthrough Genomics
Classification: Likely benign. Review status: criteria provided, single submitter. Criteria: ACMG Guidelines, 2015. Collection method: not provided. Allele origin: germline. Inheritance: Autosomal recessive inheritance. Affected: yes.

Literature cited by the submitters: PubMed 27930701 (cited by Women's Health and Genetics/Laboratory Corporation of America, LabCorp and Athena Diagnostics); PubMed 26516846 (cited by Women's Health and Genetics/Laboratory Corporation of America, LabCorp); PubMed 28255936 (cited by Women's Health and Genetics/Laboratory Corporation of America, LabCorp); PubMed 33373724 (cited by Women's Health and Genetics/Laboratory Corporation of America, LabCorp); PubMed 35207729 (cited by Women's Health and Genetics/Laboratory Corporation of America, LabCorp).

NM_001267550.2(TTN):c.289G>A (p.Val97Met)

Gene: TTN (titin; minus strand). Cytogenetic location: 2q31.2.
Variant type: single nucleotide variant.
Coding change: c.289G>A on transcript NM_001267550.2 (MANE Select); coding-DNA position 289, G replaced by A.
Protein change: p.Val97Met; replaces valine 97 with methionine.
Molecular consequence: missense variant.
Genome position (GRCh38, 1-based): chr2:178,802,144, C>T on the plus strand (G>A on the coding strand, the complement: TTN is on the minus strand). VCF-style: chr2-178802144-C-T. GRCh37 (hg19) VCF-style: chr2-179666871-C-T.
Other names: p.V97M:GTG>ATG; c.289G>A, p.Val97Met (NM_133378.4, NM_003319.4, NM_133379.5 and 3 more transcripts); short protein forms V97M.
Identifiers: ClinVar variation 178278 (VCV000178278.46), dbSNP rs185921345, ClinGen allele CA182016.